The following is an entry in ClinVar:

ClinVar aggregate classification (germline): Uncertain significance. Review status: criteria provided, multiple submitters, no conflicts (2 of 4 stars). 3 submissions from 3 submitters: Uncertain significance (3). Last evaluated 2025-04-30.

Conditions:
Tuberous sclerosis syndrome (TSC). Also called: Tuberous Sclerosis Complex; Tuberous sclerosis. Identifiers: Orphanet 805, MedGen C0041341, MONDO:0001734.
Hereditary cancer-predisposing syndrome. Also called: Neoplastic Syndromes, Hereditary; Hereditary Cancer Syndrome; Hereditary neoplastic syndrome; Tumor predisposition. Identifiers: Orphanet 140162, MedGen C0027672, MeSH D009386, MONDO:0015356.
Tuberous sclerosis 2 (TSC2). Identifiers: Orphanet 805, MedGen C1860707, MONDO:0013199, OMIM 613254.

Allele frequency attached by ClinVar (database versions not stated): TOPMed below 0.00001; gnomAD 0.00001.

Submissions (3):

Labcorp Genetics (formerly Invitae), Labcorp
Classification: Uncertain significance for Tuberous sclerosis 2. Last evaluated: 2025-04-30. Review status: criteria provided, single submitter. Criteria: Invitae Variant Classification Sherloc (09022015). Collection method: clinical testing. Allele origin: germline.
Comment: This sequence change replaces proline, which is neutral and non-polar, with leucine, which is neutral and non-polar, at codon 1314 of the TSC2 protein (p.Pro1314Leu). This variant is not present in population databases (gnomAD no frequency). This variant has not been reported in the literature in individuals affected with TSC2-related conditions. ClinVar contains an entry for this variant (Variation ID: 851103). Invitae Evidence Modeling of protein sequence and biophysical properties (such as structural, functional, and spatial information, amino acid conservation, physicochemical variation, residue mobility, and thermodynamic stability) indicates that this missense variant is not expected to disrupt TSC2 protein function with a negative predictive value of 95%. In summary, the available evidence is currently insufficient to determine the role of this variant in disease. Therefore, it has been classified as a Variant of Uncertain Significance.

Ambry Genetics
Classification: Uncertain significance for Hereditary cancer-predisposing syndrome. Last evaluated: 2025-03-11. Review status: criteria provided, single submitter. Criteria: Ambry Variant Classification Scheme 2023. Collection method: clinical testing. Allele origin: germline.
Comment: The p.P1314L variant (also known as c.3941C>T), located in coding exon 32 of the TSC2 gene, results from a C to T substitution at nucleotide position 3941. The proline at codon 1314 is replaced by leucine, an amino acid with similar properties. This amino acid position is not well conserved in available vertebrate species. In addition, the in silico prediction for this alteration is inconclusive. Based on the available evidence, the clinical significance of this variant remains unclear.

All of Us Research Program, National Institutes of Health
Classification: Uncertain significance for Tuberous sclerosis syndrome. Last evaluated: 2024-02-22. Review status: criteria provided, single submitter. Criteria: ACMG Guidelines, 2015. Collection method: clinical testing. Allele origin: germline. Inheritance: Autosomal dominant inheritance. Observed: 1 variant allele, 1 heterozygote.
Comment: This missense variant replaces proline with leucine at codon 1314 of the TSC2 protein. Computational prediction suggests that this variant may not impact protein structure and function. To our knowledge, functional studies have not been reported for this variant. This variant has not been reported in individuals affected with tuberous sclerosis complex in the literature. This variant has not been identified in the general population by the Genome Aggregation Database (gnomAD). The available evidence is insufficient to determine the role of this variant in disease conclusively. Therefore, this variant is classified as a Variant of Uncertain Significance.

This study involves interpretation of variants in research participants for the purpose of population health screening. Participant phenotype was not available at the time of variant classification. Additional details can be found in publication PMID: 35346344, PMCID: PMC8962531

NM_000548.5(TSC2):c.3941C>T (p.Pro1314Leu)

Gene: TSC2 (TSC complex subunit 2; plus strand). Cytogenetic location: 16p13.3.
Variant type: single nucleotide variant.
Coding change: c.3941C>T on transcript NM_000548.5 (MANE Select); coding-DNA position 3941, C replaced by T.
Protein change: p.Pro1314Leu; replaces proline 1314 with leucine.
Molecular consequence: missense variant.
Genome position (GRCh38, 1-based): chr16:2,083,752, C>T. VCF-style: chr16-2083752-C-T. GRCh37 (hg19) VCF-style: chr16-2133753-C-T.
Other names: c.3740C>T, p.Pro1247Leu (NM_001077183.3); c.3872C>T, p.Pro1291Leu (NM_001114382.3); c.3632C>T, p.Pro1211Leu (NM_001318827.2); c.3596C>T, p.Pro1199Leu (NM_001318829.2); c.3209C>T, p.Pro1070Leu (NM_001318831.2); c.3773C>T, p.Pro1258Leu (NM_001318832.2); c.3743C>T, p.Pro1248Leu (NM_001363528.2); c.3809C>T, p.Pro1270Leu (NM_001370404.1); and 1 more; short protein forms P1211L, P1270L, P1070L, P1247L, P1199L, P1248L, P1258L, P1271L.
Identifiers: ClinVar variation 851103 (VCV000851103.11), dbSNP rs1217156011, ClinGen allele CA394297318.